The following is an entry in ClinVar:

NM_000297.4(PKD2):c.570G>T (p.Ala190=)

Genes: PKD2 (polycystin 2, transient receptor potential cation channel; plus strand), LOC129992813 (ATAC-STARR-seq lymphoblastoid silent region 15559; plus strand). Cytogenetic location: 4q22.1.
Variant type: single nucleotide variant.
Coding change: c.570G>T on transcript NM_000297.4 (MANE Select); coding-DNA position 570, G replaced by T.
Protein change: p.Ala190=; no amino-acid change (alanine 190 retained).
Molecular consequence: synonymous variant. On other transcripts: non-coding transcript variant (1).
Genome position (GRCh38, 1-based): chr4:88,008,303, G>T. VCF-style: chr4-88008303-G-T. GRCh37 (hg19) VCF-style: chr4-88929455-G-T.
Identifiers: ClinVar variation 255795 (VCV000255795.27), dbSNP rs541702320, ClinGen allele CA3003731.
Genomic context (GRCh38, chr4:88,008,303, plus strand): 5'-CGGGGACCCGCTGCATCGCCACCTCCCCCTGGAAGGGCAGCCGCCCCGAGTGGCCTGGGC[G>T]GAGAGGCTGGTTCGCGGGCTGCGAGGTAAGAGCGCGCGACCCGCAGCGGCAGATGCACGA-3'
Protein context (NP_000288.1, residues 180-200): LEGQPPRVAW[Ala190=]ERLVRGLRGL

ClinVar aggregate classification (germline): Benign/Likely benign. Review status: criteria provided, multiple submitters, no conflicts (2 of 4 stars). 10 submissions from 10 submitters: Benign (3); Likely benign (7). Last evaluated 2026-01-27.

Conditions:
Autosomal dominant polycystic kidney disease. Identifiers: Orphanet 730, MedGen C0085413, MONDO:0004691.
Polycystic kidney disease 2 (PKD2). Also called: Polycystic Kidney Disease 2, Autosomal Dominant; POLYCYSTIC KIDNEY DISEASE, ADULT, TYPE II; POLYCYSTIC KIDNEY DISEASE 2 WITH OR WITHOUT POLYCYSTIC LIVER DISEASE. Identifiers: MedGen C2751306, MONDO:0013131, OMIM 613095.

Allele frequency attached by ClinVar (database versions not stated): ExAC 0.00029; gnomAD exomes 0.00050 and 0.00085; gnomAD 0.00520 and 0.00554; TOPMed 0.00550; 1000 Genomes Project 0.00639; 1000 Genomes Project 30x 0.00718.
gnomAD v4.1: 1,477 of 1,511,642 alleles (0.098%); highest among the groups gnomAD compares: African/African-American, 1.9%; 16 homozygotes.

Submissions (10):

Labcorp Genetics (formerly Invitae), Labcorp
Classification: Benign for Autosomal dominant polycystic kidney disease. Last evaluated: 2026-01-27. Review status: criteria provided, single submitter. Criteria: Invitae Variant Classification Sherloc (09022015). Collection method: clinical testing. Allele origin: germline.

Department of Pathology and Laboratory Medicine, Sinai Health System
Classification: Likely benign for Polycystic kidney disease 2. Last evaluated: 2024-11-19. Review status: criteria provided, single submitter. Criteria: ACMG Guidelines, 2015. Collection method: clinical testing. Allele origin: germline. Affected: yes.

Blueprint Genetics
Classification: Likely benign. Last evaluated: 2024-10-14. Review status: criteria provided, single submitter. Criteria: ACMG Guidelines, 2015. Collection method: clinical testing. Allele origin: germline.

Fulgent Genetics
Classification: Likely benign for Polycystic kidney disease 2. Last evaluated: 2021-07-23. Review status: criteria provided, single submitter. Criteria: ACMG Guidelines, 2015. Collection method: clinical testing. Allele origin: unknown.

GeneDx
Classification: Likely benign. Last evaluated: 2020-11-20. Review status: criteria provided, single submitter. Criteria: GeneDx Variant Classification Process June 2021. Collection method: clinical testing. Allele origin: germline. Affected: yes.

Athena Diagnostics
Classification: Benign. Last evaluated: 2017-12-29. Review status: criteria provided, single submitter. Criteria: Athena Diagnostics Criteria. Collection method: clinical testing. Allele origin: germline.

ARUP Laboratories, Molecular Genetics and Genomics, ARUP Laboratories
Classification: Likely benign. Last evaluated: 2017-09-14. Review status: criteria provided, single submitter. Criteria: ARUP Molecular Germline Variant Investigation Process. Collection method: clinical testing. Allele origin: germline.
Comment: The PKD2 c.570G>T; p.Ala190Ala variant (rs541702320) has not been reported in the medical literature, but is listed as likely neutral in the Mayo ADPKD database (see link). It is reported in ClinVar (Variation ID: 255795) and observed in the African population at an overall frequency of 2% (232/11682 alleles) in the Genome Aggregation Database. This is a synonymous variant in a nucleotide that is weakly conserved, and computational algorithms (Alamut v.2.11) predict no impact on splicing. Based on available information, this variant is considered likely benign.

Illumina Laboratory Services, Illumina
Classification: Benign for Polycystic kidney disease 2. Last evaluated: 2017-04-28. Review status: criteria provided, single submitter. Criteria: ICSL Variant Classification Criteria 13 December 2019. Collection method: clinical testing. Allele origin: germline.
Comment: This variant was observed as part of a predisposition screen in an ostensibly healthy population. A literature search was performed for the gene, cDNA change, and amino acid change (where applicable). No publications were found based on this search. Allele frequency data from public databases was too high to be consistent with this variant causing disease. Therefore, this variant is classified as benign.

Breakthrough Genomics
Classification: Likely benign. Review status: criteria provided, single submitter. Criteria: ACMG Guidelines, 2015. Collection method: not provided. Allele origin: germline. Inheritance: Autosomal dominant inheritance. Affected: yes.

PreventionGenetics, part of Exact Sciences
Classification: Likely benign. Review status: criteria provided, single submitter. Criteria: ACMG Guidelines, 2015. Collection method: clinical testing. Allele origin: germline.